The following is an entry in ClinVar:

NC_000001.10:g.(?_236902582)_(237995947_?)dup

Genes: MT1HL1 (metallothionein 1H like 1; minus strand), ACTN2 (actinin alpha 2; plus strand), MTR (5-methyltetrahydrofolate-homocysteine methyltransferase; plus strand), RYR2 (ryanodine receptor 2; plus strand). Cytogenetic location: 1q43.
Variant type: Duplication.
Identifiers: ClinVar variation 3247731 (VCV003247731.1).

ClinVar aggregate classification (germline): Uncertain significance (1 of 4 stars; one submission).

Conditions:
Catecholaminergic polymorphic ventricular tachycardia 1. Also called: RYR2-Related Catecholaminergic Polymorphic Ventricular Tachycardia; VENTRICULAR TACHYCARDIA, CATECHOLAMINERGIC POLYMORPHIC, 1, WITH OR WITHOUT ATRIAL DYSFUNCTION AND/OR DILATED CARDIOMYOPATHY; VENTRICULAR TACHYCARDIA, STRESS-INDUCED POLYMORPHIC 1. Identifiers: Orphanet 3286, MedGen C1631597, MONDO:0011484, OMIM 604772.

Submission:

Labcorp Genetics (formerly Invitae), Labcorp
Classification: Uncertain significance for Catecholaminergic polymorphic ventricular tachycardia 1. Last evaluated: 2023-12-18. Review status: criteria provided, single submitter. Criteria: Invitae Variant Classification Sherloc (09022015). Collection method: clinical testing. Allele origin: unknown.
Comment: A copy number gain of the genomic region encompassing the full coding sequence of the RYR2 gene has been identified. The boundaries of this event are unknown as they extend beyond the assayed region for this gene and therefore may encompass additional genes. As the precise location of this event is unknown, it may be in tandem or it may be located elsewhere in the genome. This variant has not been reported in the literature in individuals affected with RYR2-related conditions. In summary, the available evidence is currently insufficient to determine the role of this variant in disease. Therefore, it has been classified as a Variant of Uncertain Significance.